The following is an entry in ClinVar:

ClinVar aggregate classification (germline): Likely pathogenic (1 of 4 stars; one submission).

Submission:

Labcorp Genetics (formerly Invitae), Labcorp
Classification: Likely pathogenic. Last evaluated: 2021-07-28. Review status: criteria provided, single submitter. Criteria: Invitae Variant Classification Sherloc (09022015). Collection method: clinical testing. Allele origin: germline.
Comment: In summary, the currently available evidence indicates that the variant is pathogenic, but additional data are needed to prove that conclusively. Therefore, this variant has been classified as Likely Pathogenic. This variant disrupts the triple helix domain of COL4A1. Glycine residues within the Gly-Xaa-Yaa repeats of the triple helix domain are required for the structure and stability of fibrillar collagens (PMID: 7695699, 8218237, 19344236). In COL4A1 variants affecting these glycine residues are significantly enriched in individuals with disease (PMID: 9016532, 17078022) compared to the general population (ExAC). Advanced modeling of protein sequence and biophysical properties (such as structural, functional, and spatial information, amino acid conservation, physicochemical variation, residue mobility, and thermodynamic stability) performed at Invitae indicates that this missense variant is expected to disrupt COL4A1 protein function. This variant has not been reported in the literature in individuals affected with COL4A1-related conditions. This variant is not present in population databases (ExAC no frequency). This sequence change replaces glycine with arginine at codon 1219 of the COL4A1 protein (p.Gly1219Arg). The glycine residue is highly conserved and there is a moderate physicochemical difference between glycine and arginine.

Literature cited by the submitters: PubMed 7695699; PubMed 8218237; PubMed 19344236; PubMed 9016532; PubMed 17078022.

NM_001845.6(COL4A1):c.3655G>C (p.Gly1219Arg)

Gene: COL4A1 (collagen type IV alpha 1 chain; minus strand). Cytogenetic location: 13q34.
Variant type: single nucleotide variant.
Coding change: c.3655G>C on transcript NM_001845.6 (MANE Select); coding-DNA position 3655, G replaced by C.
Protein change: p.Gly1219Arg; replaces glycine 1219 with arginine.
Molecular consequence: missense variant.
Genome position (GRCh38, 1-based): chr13:110,170,634, C>G on the plus strand (G>C on the coding strand, the complement: COL4A1 is on the minus strand). VCF-style: chr13-110170634-C-G. GRCh37 (hg19) VCF-style: chr13-110822981-C-G.
Other names: short protein forms G1219R.
Identifiers: ClinVar variation 1519548 (VCV001519548.6), dbSNP rs2139156141, ClinGen allele CA388662538.
Genomic context (GRCh38, chr13:110,170,634, plus strand): 5'-CGCGGTCTCCTTTGGGCCCCTCCGTGGCATGGCCTGGGGATCCCGGTAACCCCGGCTGTC[C>G]CTGGGGCCCCGGAGGACCCATGAATCCTTGCTCTCCTTTGGATCCAGGAATTCCTGGGCT-3'
Protein context (NP_001836.3, residues 1209-1229): QGFMGPPGPQ[Gly1219Arg]QPGLPGSPGH